The following is an entry in ClinVar:

NM_002547.3(OPHN1):c.650T>A (p.Leu217His)

Gene: OPHN1 (oligophrenin 1; minus strand). Cytogenetic location: Xq12.
Variant type: single nucleotide variant.
Coding change: c.650T>A on transcript NM_002547.3 (MANE Select); coding-DNA position 650, T replaced by A.
Protein change: p.Leu217His; replaces leucine 217 with histidine.
Molecular consequence: missense variant.
Genome position (GRCh38, 1-based): chrX:68,212,160, A>T on the plus strand (T>A on the coding strand, the complement: OPHN1 is on the minus strand). VCF-style: chrX-68212160-A-T. GRCh37 (hg19) VCF-style: chrX-67432002-A-T.
Other names: short protein forms L217H.
Identifiers: ClinVar variation 1304194 (VCV001304194.2), dbSNP rs2147481962, ClinGen allele CA413434312.

ClinVar aggregate classification (germline): Uncertain significance (1 of 4 stars; one submission).

Submission:

GeneDx
Classification: Uncertain significance. Last evaluated: 2021-06-03. Review status: criteria provided, single submitter. Criteria: GeneDx Variant Classification Process June 2021. Collection method: clinical testing. Allele origin: germline. Affected: yes.
Comment: Not observed at significant frequency in large population cohorts (Lek et al., 2016); In silico analysis supports that this missense variant has a deleterious effect on protein structure/function; Has not been previously published as pathogenic or benign to our knowledge; This variant is associated with the following publications: (PMID: 27535533)